The following is an entry in ClinVar:

NM_206933.4(USH2A):c.3344T>C (p.Leu1115Pro)

Genes: USH2A (usherin; minus strand), USH2A-AS1 (USH2A antisense RNA 1; plus strand). Cytogenetic location: 1q41.
Variant type: single nucleotide variant.
Coding change: c.3344T>C on transcript NM_206933.4 (MANE Select); coding-DNA position 3344, T replaced by C.
Protein change: p.Leu1115Pro; replaces leucine 1115 with proline.
Molecular consequence: missense variant.
Genome position (GRCh38, 1-based): chr1:216,200,094, A>G on the plus strand (T>C on the coding strand, the complement: USH2A is on the minus strand). VCF-style: chr1-216200094-A-G. GRCh37 (hg19) VCF-style: chr1-216373436-A-G.
Other names: c.3344T>C, p.Leu1115Pro (NM_007123.6); short protein forms L1115P.
Identifiers: ClinVar variation 840088 (VCV000840088.9), dbSNP rs151122789, ClinGen allele CA344869044.
Genomic context (GRCh38, chr1:216,200,094, plus strand): 5'-CTTGTTGAACCATGCACATTGGTGGTCTCAATGTAATAGGAATATTTGGTATATGGTAAC[A>G]GGTCTGTGTCTAAGAAGTATTGAATACCTGAAATGAAAAGAAAAAAAAAAAACAAAGTTA-3'
Protein context (NP_996816.3, residues 1105-1125): YSIQYFLDTD[Leu1115Pro]LPYTKYSYYI

ClinVar aggregate classification (germline): Uncertain significance (1 of 4 stars; one submission).

Submission:

Labcorp Genetics (formerly Invitae), Labcorp
Classification: Uncertain significance. Last evaluated: 2024-02-12. Review status: criteria provided, single submitter. Criteria: Invitae Variant Classification Sherloc (09022015). Collection method: clinical testing. Allele origin: germline.
Comment: This sequence change replaces leucine, which is neutral and non-polar, with proline, which is neutral and non-polar, at codon 1115 of the USH2A protein (p.Leu1115Pro). This variant is not present in population databases (gnomAD no frequency). This missense change has been observed in individual(s) with clinical features of USH2A-related conditions (Invitae). ClinVar contains an entry for this variant (Variation ID: 840088). Advanced modeling of protein sequence and biophysical properties (such as structural, functional, and spatial information, amino acid conservation, physicochemical variation, residue mobility, and thermodynamic stability) performed at Invitae indicates that this missense variant is expected to disrupt USH2A protein function with a positive predictive value of 95%. In summary, the available evidence is currently insufficient to determine the role of this variant in disease. Therefore, it has been classified as a Variant of Uncertain Significance.